The following is an entry in ClinVar:

ClinVar aggregate classification (germline): Likely benign. Review status: criteria provided, multiple submitters, no conflicts (2 of 4 stars). 4 submissions from 4 submitters: Likely benign (4). Last evaluated 2026-01-15.

Conditions:
Cardiovascular phenotype. Identifiers: MedGen CN230736.
Catecholaminergic polymorphic ventricular tachycardia (CVPT). Also called: Catecholamine-induced polymorphic ventricular tachycardia. Identifiers: Orphanet 3286, MedGen C5574922, MONDO:0017990.
Cardiomyopathy (CMYO). Also called: Cardiomyopathies. Identifiers: Orphanet 167848, MedGen C0878544, MONDO:0004994, HP:0001638. Inheritance: Various modes of inheritance.
Catecholaminergic polymorphic ventricular tachycardia 1. Also called: VENTRICULAR TACHYCARDIA, STRESS-INDUCED POLYMORPHIC 1; VENTRICULAR TACHYCARDIA, CATECHOLAMINERGIC POLYMORPHIC, 1, WITH OR WITHOUT ATRIAL DYSFUNCTION AND/OR DILATED CARDIOMYOPATHY; RYR2-Related Catecholaminergic Polymorphic Ventricular Tachycardia. Identifiers: Orphanet 3286, MedGen C1631597, MONDO:0011484, OMIM 604772.

Allele frequency attached by ClinVar (database versions not stated): ExAC 0.00001; gnomAD exomes 0.00001 and 0.00002; gnomAD 0.00004; TOPMed 0.00008.

Submissions (4):

Labcorp Genetics (formerly Invitae), Labcorp
Classification: Likely benign for Catecholaminergic polymorphic ventricular tachycardia 1. Last evaluated: 2026-01-15. Review status: criteria provided, single submitter. Criteria: Invitae Variant Classification Sherloc (09022015). Collection method: clinical testing. Allele origin: germline.

All of Us Research Program, National Institutes of Health
Classification: Likely benign for Catecholaminergic polymorphic ventricular tachycardia. Last evaluated: 2023-02-24. Review status: criteria provided, single submitter. Criteria: ACMG Guidelines, 2015. Collection method: clinical testing. Allele origin: germline. Inheritance: Autosomal dominant inheritance. Observed: 1 variant allele, 1 heterozygote.
Comment: This study involves interpretation of variants in research participants for the purpose of population health screening. Participant phenotype was not available at the time of variant classification. Additional details can be found in publication PMID: 35346344, PMCID: PMC8962531

Color Diagnostics, LLC DBA Color Health
Classification: Likely benign for Cardiomyopathy. Last evaluated: 2019-10-29. Review status: criteria provided, single submitter. Criteria: ACMG Guidelines, 2015. Collection method: clinical testing. Allele origin: germline.

Ambry Genetics
Classification: Likely benign for Cardiovascular phenotype. Last evaluated: 2018-09-04. Review status: criteria provided, single submitter. Criteria: Ambry Variant Classification Scheme 2023. Collection method: clinical testing. Allele origin: germline.

NM_001035.3(RYR2):c.12084G>A (p.Ser4028=)

Gene: RYR2 (ryanodine receptor 2; plus strand). Cytogenetic location: 1q43.
Variant type: single nucleotide variant.
Coding change: c.12084G>A on transcript NM_001035.3 (MANE Select); coding-DNA position 12084, G replaced by A.
Protein change: p.Ser4028=; no amino-acid change (serine 4028 retained).
Molecular consequence: synonymous variant.
Genome position (GRCh38, 1-based): chr1:237,783,796, G>A. VCF-style: chr1-237783796-G-A. GRCh37 (hg19) VCF-style: chr1-237947096-G-A.
Other names: c.12084G>A, p.Ser4028= (LRG_402t1).
Identifiers: ClinVar variation 463553 (VCV000463553.15), dbSNP rs751821960, ClinGen allele CA085123.